The following is an entry in ClinVar:

ClinVar aggregate classification (germline): Conflicting classifications of pathogenicity. Review status: criteria provided, conflicting classifications (1 of 4 stars). 4 submissions from 4 submitters: Uncertain significance (3); Likely benign (1). Last evaluated 2026-08-01.

Conditions:
Emery-Dreifuss muscular dystrophy 5, autosomal dominant (EDMD5). Also called: EMERY-DREIFUSS MUSCULAR DYSTROPHY 5. Identifiers: Orphanet 261, MedGen C2751805, MONDO:0013072, OMIM 612999.

Allele frequency attached by ClinVar (database versions not stated): ExAC 0.00004; gnomAD exomes 0.00004 and 0.00007; gnomAD 0.00011 and 0.00014; TOPMed 0.00023.
gnomAD v4.1: 98 of 1,614,092 alleles (0.0061%); highest among the groups gnomAD compares: Admixed American, 0.042%; no homozygotes.

Submissions (4):

CeGaT Center for Human Genetics Tuebingen
Classification: Likely benign. Last evaluated: 2026-08-01. Review status: criteria provided, single submitter. Criteria: CeGaT Center For Human Genetics Tuebingen Variant Classification Criteria Version 2. Collection method: clinical testing. Allele origin: germline. Affected: yes. Observed: 1 variant allele.
Comment: SYNE2: PP3, BS2

Labcorp Genetics (formerly Invitae), Labcorp
Classification: Uncertain significance for Emery-Dreifuss muscular dystrophy 5, autosomal dominant. Last evaluated: 2025-03-25. Review status: criteria provided, single submitter. Criteria: Invitae Variant Classification Sherloc (09022015). Collection method: clinical testing. Allele origin: germline.
Comment: This sequence change replaces glutamic acid, which is acidic and polar, with lysine, which is basic and polar, at codon 6102 of the SYNE2 protein (p.Glu6102Lys). This variant is present in population databases (rs560736067, gnomAD 0.02%). This variant has not been reported in the literature in individuals affected with SYNE2-related conditions. ClinVar contains an entry for this variant (Variation ID: 638893). An algorithm developed to predict the effect of missense changes on protein structure and function (PolyPhen-2) suggests that this variant is likely to be disruptive. In summary, the available evidence is currently insufficient to determine the role of this variant in disease. Therefore, it has been classified as a Variant of Uncertain Significance.

Ambry Genetics
Classification: Uncertain significance. Last evaluated: 2024-08-11. Review status: criteria provided, single submitter. Criteria: Ambry Variant Classification Scheme 2023. Collection method: clinical testing. Allele origin: germline.

Breakthrough Genomics
Classification: Uncertain significance. Review status: criteria provided, single submitter. Criteria: ACMG Guidelines, 2015. Collection method: not provided. Allele origin: germline. Inheritance: Autosomal dominant inheritance. Affected: yes.

NM_182914.3(SYNE2):c.18304G>A (p.Glu6102Lys)

Gene: SYNE2 (spectrin repeat containing nuclear envelope protein 2; plus strand). Cytogenetic location: 14q23.2.
Variant type: single nucleotide variant.
Coding change: c.18304G>A on transcript NM_182914.3 (MANE Select); coding-DNA position 18304, G replaced by A.
Protein change: p.Glu6102Lys; replaces glutamic acid 6102 with lysine.
Molecular consequence: missense variant.
Genome position (GRCh38, 1-based): chr14:64,208,860, G>A. VCF-style: chr14-64208860-G-A. GRCh37 (hg19) VCF-style: chr14-64675578-G-A.
Other names: c.18304G>A, p.Glu6102Lys (NM_015180.6); short protein forms E6102K.
Identifiers: ClinVar variation 638893 (VCV000638893.16), dbSNP rs560736067, ClinGen allele CA7224032.
Genomic context (GRCh38, chr14:64,208,860, plus strand): 5'-TCCGTGTTTAACATCTGTGACGTCCTACTGCACGACTCCGATGCCTGTGCAAATGAGACC[G>A]AGTGTGACTCGATCCAGCAGACCACCAGGAGCCTGGACAGACGCTGGAGGAACATTTGTG-3'
Protein context (NP_878918.2, residues 6092-6112): HDSDACANET[Glu6102Lys]CDSIQQTTRS